The following is an entry in ClinVar:

NM_058216.3(RAD51C):c.404+44_404+45del

Gene: RAD51C (RAD51 paralog C; plus strand). Cytogenetic location: 17q22.
Variant type: Microsatellite.
Coding change: c.404+44_404+45del on transcript NM_058216.3 (MANE Select); bases 44 to 45 of the intron after coding-DNA position 404, 2 bases deleted (AT; older notation c.404+44_404+45delAT).
Molecular consequence: intron variant. On other transcripts: 3 prime UTR variant (1), non-coding transcript variant (1).
Genome position (GRCh38, 1-based): chr17:58,695,233-58,695,234, AT deleted; deleting any 2 consecutive bases within chr17:58,695,231-58,695,234 gives the same sequence; the c. name uses the placement nearest the transcript's 3' end. VCF-style (leftmost placement, unchanged base first): chr17-58695230-CAT-C. GRCh37 (hg19) VCF-style: chr17-56772591-CAT-C.
Other names: c.*38AT[1] (NM_002876.4); c.404+44_404+45delAT (NM_058216.3).
Identifiers: ClinVar variation 1697623 (VCV001697623.8), dbSNP rs746082340, ClinGen allele CA8677214.
Genomic context (GRCh38, chr17:58,695,230, plus strand): 5'-GTTGGAAAAACACAATTATGGTAAAATAAAGTGTTCTCCTTTTAAGGGTGGGTTTAATAA[CAT>C]ATTATGAAAGTAGTATTTTGTACTATCGTCAGGAAACCAAATAAGATATATATGTGCTCT-3'

ClinVar aggregate classification (germline): Likely benign. Review status: criteria provided, multiple submitters, no conflicts (2 of 4 stars). 2 submissions from 2 submitters: Likely benign (2). Last evaluated 2025-03-04.

Conditions:
Hereditary breast ovarian cancer syndrome. Also called: Hereditary breast and ovarian cancer syndrome; Breast and ovarian cancer; Hereditary breast and ovarian cancer; Hereditary breast and/or ovarian cancer syndrome; Hereditary breast and ovarian cancer syndrome (HBOC); BRCA1- and BRCA2-Associated Hereditary Breast and Ovarian Cancer. Identifiers: Orphanet 145, MedGen C0677776, MeSH D061325, MONDO:0003582. Disease mechanism: loss of function.

Submissions (2):

Center for Genomic Medicine, Rigshospitalet, Copenhagen University Hospital
Classification: Likely benign. Last evaluated: 2025-03-04. Review status: criteria provided, single submitter. Criteria: ACMG Guidelines, 2015. Collection method: clinical testing. Allele origin: germline.

Institute for Biomarker Research, Medical Diagnostic Laboratories, L.L.C.
Classification: Likely benign for Hereditary breast ovarian cancer syndrome. Last evaluated: 2024-11-29. Review status: criteria provided, single submitter. Criteria: ACMG Guidelines, 2015. Collection method: clinical testing. Allele origin: germline.
Comment: The intron variant NM_058216.3(RAD51C):c.404+44_404+45delAT has been reported to ClinVar as Likely benign with a status of (1 stars) criteria provided, single submitter (Variation ID 1697623 as of 2024-11-07). The c.404+44_404+45delAT variant is not predicted to disrupt an existing splice site. The c.404+44_404+45delAT variant results in a deletion of 2 bases that are not predicted conserved by GERP++ and PhyloP. For these reasons, this variant has been classified as Likely Benign.